The following is an entry in ClinVar:

NM_198859.4(PRICKLE2):c.1367C>T (p.Ala456Val)

Gene: PRICKLE2 (prickle planar cell polarity protein 2; minus strand). Cytogenetic location: 3p14.1.
Variant type: single nucleotide variant.
Coding change: c.1367C>T on transcript NM_198859.4 (MANE Select); coding-DNA position 1367, C replaced by T.
Protein change: p.Ala456Val; replaces alanine 456 with valine.
Molecular consequence: missense variant.
Genome position (GRCh38, 1-based): chr3:64,147,123, G>A on the plus strand (C>T on the coding strand, the complement: PRICKLE2 is on the minus strand). VCF-style: chr3-64147123-G-A. GRCh37 (hg19) VCF-style: chr3-64132799-G-A.
Other names: c.1367C>T, p.Ala456Val (NM_001370528.1); short protein forms A456V.
Identifiers: ClinVar variation 1052178 (VCV001052178.5), dbSNP rs1441238911, ClinGen allele CA353429860.

ClinVar aggregate classification (germline): Uncertain significance (1 of 4 stars; one submission).

Conditions:
Progressive myoclonic epilepsy type 5. Identifiers: Orphanet 402082, MedGen C5190799.

Allele frequency attached by ClinVar (database versions not stated): gnomAD exomes below 0.00001; TOPMed below 0.00001; gnomAD 0.00001.
gnomAD v4.1: 5 of 1,614,032 alleles (0.00031%); highest among the groups gnomAD compares: Admixed American, 0.005%; no homozygotes.

Submission:

Labcorp Genetics (formerly Invitae), Labcorp
Classification: Uncertain significance for Progressive myoclonic epilepsy type 5. Last evaluated: 2023-11-18. Review status: criteria provided, single submitter. Criteria: Invitae Variant Classification Sherloc (09022015). Collection method: clinical testing. Allele origin: germline.
Comment: This sequence change replaces alanine, which is neutral and non-polar, with valine, which is neutral and non-polar, at codon 456 of the PRICKLE2 protein (p.Ala456Val). This variant is present in population databases (no rsID available, gnomAD no frequency). This variant has not been reported in the literature in individuals affected with PRICKLE2-related conditions. ClinVar contains an entry for this variant (Variation ID: 1052178). Advanced modeling of protein sequence and biophysical properties (such as structural, functional, and spatial information, amino acid conservation, physicochemical variation, residue mobility, and thermodynamic stability) performed at Invitae indicates that this missense variant is not expected to disrupt PRICKLE2 protein function with a negative predictive value of 80%. In summary, the available evidence is currently insufficient to determine the role of this variant in disease. Therefore, it has been classified as a Variant of Uncertain Significance.